The following is an entry in ClinVar:

NM_001148.6(ANK2):c.10439A>G (p.Glu3480Gly)

Gene: ANK2 (ankyrin 2; plus strand). Cytogenetic location: 4q26.
Variant type: single nucleotide variant.
Coding change: c.10439A>G on transcript NM_001148.6 (MANE Select); coding-DNA position 10439, A replaced by G.
Protein change: p.Glu3480Gly; replaces glutamic acid 3480 with glycine.
Molecular consequence: missense variant. On other transcripts: intron variant (68).
Genome position (GRCh38, 1-based): chr4:113,359,057, A>G. VCF-style: chr4-113359057-A-G. GRCh37 (hg19) VCF-style: chr4-114280213-A-G.
Other names: c.10205A>G, p.Glu3402Gly (NM_001386142.1); c.6839A>G, p.Glu2280Gly (NM_001386166.1); c.10580A>G, p.Glu3527Gly (NM_001386174.1); c.10556A>G, p.Glu3519Gly (NM_001386175.1); c.4412-1766A>G (NM_001386186.2, NM_001386148.2); c.4214-1766A>G (NM_001354269.3); c.4292-1766A>G (NM_001386187.2); c.4253-1766A>G (NM_001386147.1); and 35 more; short protein forms E3480G, E3519G, E2280G, E3527G, E3402G.
Identifiers: ClinVar variation 2565321 (VCV002565321.2), dbSNP rs2506049172, ClinGen allele CA357940421.

ClinVar aggregate classification (germline): Uncertain significance (1 of 4 stars; one submission).

Conditions:
Cardiovascular phenotype. Identifiers: MedGen CN230736.

Submission:

Ambry Genetics
Classification: Uncertain significance for Cardiovascular phenotype. Last evaluated: 2023-05-22. Review status: criteria provided, single submitter. Criteria: Ambry Variant Classification Scheme 2023. Collection method: clinical testing. Allele origin: germline.
Comment: The p.E3480G variant (also known as c.10439A>G), located in coding exon 38 of the ANK2 gene, results from an A to G substitution at nucleotide position 10439. The glutamic acid at codon 3480 is replaced by glycine, an amino acid with similar properties. This amino acid position is conserved. In addition, this alteration is predicted to be deleterious by in silico analysis. Since supporting evidence is limited at this time, the clinical significance of this alteration remains unclear.